The following is an entry in ClinVar:

NM_025099.6(CTC1):c.1945+8G>A

Gene: CTC1 (CST telomere replication complex component 1; minus strand). Cytogenetic location: 17p13.1.
Variant type: single nucleotide variant.
Coding change: c.1945+8G>A on transcript NM_025099.6 (MANE Select); 8 bases into the intron after coding-DNA position 1945, G replaced by A.
Molecular consequence: intron variant.
Genome position (GRCh38, 1-based): chr17:8,232,898, C>T on the plus strand (G>A on the coding strand, the complement: CTC1 is on the minus strand). VCF-style: chr17-8232898-C-T. GRCh37 (hg19) VCF-style: chr17-8136216-C-T.
Other names: p.?.
Identifiers: ClinVar variation 1151582 (VCV001151582.10), dbSNP rs746083383, ClinGen allele CA8372231.

ClinVar aggregate classification (germline): Likely benign. Review status: criteria provided, multiple submitters, no conflicts (2 of 4 stars). 2 submissions from 2 submitters: Likely benign (2). Last evaluated 2025-06-03.

Conditions:
Dyskeratosis congenita. Identifiers: Orphanet 1775, MedGen C0265965, MONDO:0015780.

Allele frequency attached by ClinVar (database versions not stated): TOPMed 0.00001; ExAC 0.00002; gnomAD 0.00002; gnomAD exomes 0.00002.

Submissions (2):

Labcorp Genetics (formerly Invitae), Labcorp
Classification: Likely benign for Dyskeratosis congenita. Last evaluated: 2025-06-03. Review status: criteria provided, single submitter. Criteria: Invitae Variant Classification Sherloc (09022015). Collection method: clinical testing. Allele origin: germline.

Mayo Clinic Laboratories, Mayo Clinic
Classification: Likely benign. Last evaluated: 2024-10-22. Review status: criteria provided, single submitter. Criteria: ACMG Guidelines, 2015. Collection method: clinical testing. Allele origin: germline. Observed: 1 variant allele.
Comment: BP4, BP7